The following is an entry in ClinVar:

NM_000291.4(PGK1):c.521+318A>G

Gene: PGK1 (phosphoglycerate kinase 1; plus strand). Cytogenetic location: Xq21.1.
Variant type: single nucleotide variant.
Coding change: c.521+318A>G on transcript NM_000291.4 (MANE Select); 318 bases into the intron after coding-DNA position 521, A replaced by G.
Molecular consequence: intron variant.
Genome position (GRCh38, 1-based): chrX:78,117,733, A>G. VCF-style: chrX-78117733-A-G. GRCh37 (hg19) VCF-style: chrX-77373230-A-G.
Identifiers: ClinVar variation 683513 (VCV000683513.1), dbSNP rs2076630, ClinGen allele CA331585844.

ClinVar aggregate classification (germline): Benign (1 of 4 stars; one submission).

Allele frequency attached by ClinVar (database versions not stated): gnomAD 0.27145 and 0.27367; TOPMed 0.28814; 1000 Genomes Project 30x 0.34506; 1000 Genomes Project 0.34808.

Submission:

GeneDx
Classification: Benign. Last evaluated: 2018-06-19. Review status: criteria provided, single submitter. Criteria: GeneDx Variant Classification (06012015). Collection method: clinical testing. Allele origin: germline. Affected: yes.
Comment: This variant is considered likely benign or benign based on one or more of the following criteria: it is a conservative change, it occurs at a poorly conserved position in the protein, it is predicted to be benign by multiple in silico algorithms, and/or has population frequency not consistent with disease.